The following is an entry in ClinVar:

NM_000257.4(MYH7):c.-64-17del

Gene: MYH7 (myosin heavy chain 7; minus strand). Cytogenetic location: 14q11.2.
Variant type: Deletion.
Coding change: c.-64-17del on transcript NM_000257.4 (MANE Select); 17 bases into the intron before 64 bases upstream of the start codon, one base deleted (C; older notation c.-64-17delC).
Molecular consequence: intron variant.
Genome position (GRCh38, 1-based): chr14:23,434,266, G deleted on the plus strand (C on the coding strand, the reverse complement: MYH7 is on the minus strand); the first of 2 consecutive G bases (chr14:23,434,266-23,434,267); deleting either gives the same sequence. VCF-style (leftmost placement, unchanged base first): chr14-23434265-AG-A. GRCh37 (hg19) VCF-style: chr14-23903474-AG-A.
Other names: c.-64-17del (LRG_384t1); c.-64-17delC (NM_000257.2).
Identifiers: ClinVar variation 513299 (VCV000513299.1), dbSNP rs1264060692, ClinGen allele CA658798187.

ClinVar aggregate classification (germline): Likely benign (1 of 4 stars; one submission).

Submission:

GeneDx
Classification: Likely benign. Last evaluated: 2017-11-09. Review status: criteria provided, single submitter. Criteria: GeneDx Variant Classification (06012015). Collection method: clinical testing. Allele origin: germline. Affected: yes.
Comment: This variant is considered likely benign or benign based on one or more of the following criteria: it is a conservative change, it occurs at a poorly conserved position in the protein, it is predicted to be benign by multiple in silico algorithms, and/or has population frequency not consistent with disease.